The following is an entry in ClinVar:

NM_007129.5(ZIC2):c.147C>G (p.Phe49Leu)

Gene: ZIC2 (Zic family zinc finger 2; plus strand). Cytogenetic location: 13q32.3.
Variant type: single nucleotide variant.
Coding change: c.147C>G on transcript NM_007129.5 (MANE Select); coding-DNA position 147, C replaced by G.
Protein change: p.Phe49Leu; replaces phenylalanine 49 with leucine.
Molecular consequence: missense variant.
Genome position (GRCh38, 1-based): chr13:99,982,211, C>G. VCF-style: chr13-99982211-C-G. GRCh37 (hg19) VCF-style: chr13-100634465-C-G.
Other names: c.147C>G (NM_007129.3); short protein forms F49L.
Identifiers: ClinVar variation 2840275 (VCV002840275.4), dbSNP rs2053237590, ClinGen allele CA388636657.

ClinVar aggregate classification (germline): Uncertain significance. Review status: criteria provided, multiple submitters, no conflicts (2 of 4 stars). 2 submissions from 2 submitters: Uncertain significance (2). Last evaluated 2026-05-27.

Conditions:
Inborn genetic diseases. Identifiers: MedGen C0950123, MeSH D030342.
Holoprosencephaly 5 (HPE5). Identifiers: Orphanet 2162, MedGen C1864827, MONDO:0012322, OMIM 609637.

Allele frequency attached by ClinVar (database versions not stated): gnomAD 0.00001; TOPMed 0.00001.
gnomAD v4.1: 2 of 1,508,216 alleles (0.00013%); highest among the groups gnomAD compares: African/African-American, 0.0029%; no homozygotes.

Submissions (2):

Ambry Genetics
Classification: Uncertain significance for Inborn genetic diseases. Last evaluated: 2026-05-27. Review status: criteria provided, single submitter. Criteria: Ambry Variant Classification Scheme 2023. Collection method: clinical testing. Allele origin: germline.

Labcorp Genetics (formerly Invitae), Labcorp
Classification: Uncertain significance for Holoprosencephaly 5. Last evaluated: 2023-02-23. Review status: criteria provided, single submitter. Criteria: Invitae Variant Classification Sherloc (09022015). Collection method: clinical testing. Allele origin: germline.
Comment: In summary, the available evidence is currently insufficient to determine the role of this variant in disease. Therefore, it has been classified as a Variant of Uncertain Significance. An algorithm developed to predict the effect of missense changes on protein structure and function (PolyPhen-2) suggests that this variant is likely to be disruptive. This variant has not been reported in the literature in individuals affected with ZIC2-related conditions. This variant is not present in population databases (gnomAD no frequency). This sequence change replaces phenylalanine, which is neutral and non-polar, with leucine, which is neutral and non-polar, at codon 49 of the ZIC2 protein (p.Phe49Leu).